The following is an entry in ClinVar:

NM_032609.3(COX4I2):c.367C>G (p.Gln123Glu)

Gene: COX4I2 (cytochrome c oxidase subunit 4I2; plus strand). Cytogenetic location: 20q11.21.
Variant type: single nucleotide variant.
Coding change: c.367C>G on transcript NM_032609.3 (MANE Select); coding-DNA position 367, C replaced by G.
Protein change: p.Gln123Glu; replaces glutamine 123 with glutamic acid.
Molecular consequence: missense variant.
Genome position (GRCh38, 1-based): chr20:31,643,523, C>G. VCF-style: chr20-31643523-C-G. GRCh37 (hg19) VCF-style: chr20-30231326-C-G.
Other names: short protein forms Q123E.
Identifiers: ClinVar variation 2880670 (VCV002880670.3), dbSNP rs2515486266, ClinGen allele CA408578812.

ClinVar aggregate classification (germline): Uncertain significance (1 of 4 stars; one submission).

Submission:

Labcorp Genetics (formerly Invitae), Labcorp
Classification: Uncertain significance. Last evaluated: 2025-07-28. Review status: criteria provided, single submitter. Criteria: Invitae Variant Classification Sherloc (09022015). Collection method: clinical testing. Allele origin: germline.
Comment: This sequence change replaces glutamine, which is neutral and polar, with glutamic acid, which is acidic and polar, at codon 123 of the COX4I2 protein (p.Gln123Glu). This variant is not present in population databases (gnomAD no frequency). This variant has not been reported in the literature in individuals affected with COX4I2-related conditions. ClinVar contains an entry for this variant (Variation ID: 2880670). An algorithm developed to predict the effect of missense changes on protein structure and function (PolyPhen-2) suggests that this variant is likely to be disruptive. In summary, the available evidence is currently insufficient to determine the role of this variant in disease. Therefore, it has been classified as a Variant of Uncertain Significance.